The following is an entry in ClinVar:

ClinVar aggregate classification (germline): Likely benign (0 of 4 stars; one submission).

Conditions:
SLC7A3-related disorder. Also called: SLC7A3-related condition.

Allele frequency attached by ClinVar (database versions not stated): gnomAD exomes below 0.00001; ExAC 0.00003; gnomAD 0.00005; TOPMed 0.00006; ESP Exome Variant Server 0.00009.
gnomAD v4.1: 9 of 1,206,826 alleles (0.00075%); highest among the groups gnomAD compares: South Asian, 0.0018%; no homozygotes.

Submission:

PreventionGenetics, part of Exact Sciences
Classification: Likely benign for SLC7A3-related condition. Last evaluated: 2019-02-22. Review status: no assertion criteria provided. Collection method: clinical testing. Allele origin: germline.
Comment: This variant is classified as likely benign based on ACMG/AMP sequence variant interpretation guidelines (Richards et al. 2015 PMID: 25741868, with internal and published modifications).

NM_032803.6(SLC7A3):c.357C>T (p.Leu119=)

Gene: SLC7A3 (solute carrier family 7 member 3; minus strand). Cytogenetic location: Xq13.1.
Variant type: single nucleotide variant.
Coding change: c.357C>T on transcript NM_032803.6 (MANE Select); coding-DNA position 357, C replaced by T.
Protein change: p.Leu119=; no amino-acid change (leucine 119 retained).
Molecular consequence: synonymous variant.
Genome position (GRCh38, 1-based): chrX:70,929,641, G>A on the plus strand (C>T on the coding strand, the complement: SLC7A3 is on the minus strand). VCF-style: chrX-70929641-G-A. GRCh37 (hg19) VCF-style: chrX-70149491-G-A.
Other names: c.357C>T, p.Leu119= (NM_001048164.3).
Identifiers: ClinVar variation 3046573 (VCV003046573.2), dbSNP rs137991585, ClinGen allele CA10443273.